The following is an entry in ClinVar:

NM_001010867.4(IBA57):c.342-180C>G

Gene: IBA57 (iron-sulfur cluster assembly factor IBA57; plus strand). Cytogenetic location: 1q42.13.
Variant type: single nucleotide variant.
Coding change: c.342-180C>G on transcript NM_001010867.4 (MANE Select); 180 bases into the intron before coding-DNA position 342, C replaced by G.
Molecular consequence: intron variant.
Genome position (GRCh38, 1-based): chr1:228,174,512, C>G. VCF-style: chr1-228174512-C-G. GRCh37 (hg19) VCF-style: chr1-228362213-C-G.
Identifiers: ClinVar variation 684212 (VCV000684212.2), dbSNP rs12141488, ClinGen allele CA38741405.

ClinVar aggregate classification (germline): Benign. Review status: criteria provided, multiple submitters, no conflicts (2 of 4 stars). 2 submissions from 2 submitters: Benign (2). Last evaluated 2018-06-14.

Allele frequency attached by ClinVar (database versions not stated): 1000 Genomes Project 30x 0.89475; 1000 Genomes Project 0.93111; gnomAD 0.94353; gnomAD exomes 0.99396.
gnomAD v4.1: 350,486 of 358,236 alleles (98%); highest among the groups gnomAD compares: South Asian, 100%; 172,247 homozygotes.

Submissions (2):

GeneDx
Classification: Benign. Last evaluated: 2018-06-14. Review status: criteria provided, single submitter. Criteria: GeneDx Variant Classification (06012015). Collection method: clinical testing. Allele origin: germline. Affected: yes.
Comment: This variant is considered likely benign or benign based on one or more of the following criteria: it is a conservative change, it occurs at a poorly conserved position in the protein, it is predicted to be benign by multiple in silico algorithms, and/or has population frequency not consistent with disease.

Breakthrough Genomics
Classification: Benign. Review status: criteria provided, single submitter. Criteria: ACMG Guidelines, 2015. Collection method: not provided. Allele origin: germline. Inheritance: Autosomal recessive inheritance. Affected: yes.